The following is an entry in ClinVar:

ClinVar aggregate classification (germline): Uncertain significance (1 of 4 stars; one submission).

Conditions:
Sterile multifocal osteomyelitis with periostitis and pustulosis. Also called: CHRONIC RECURRENT MULTIFOCAL OSTEOMYELITIS 2, WITH PERIOSTITIS AND PUSTULOSIS. Identifiers: Orphanet 210115, MedGen C2748507, MONDO:0013021, OMIM 612852.

Allele frequency attached by ClinVar (database versions not stated): TOPMed below 0.00001; gnomAD exomes 0.00001.

Submission:

Labcorp Genetics (formerly Invitae), Labcorp
Classification: Uncertain significance for Sterile multifocal osteomyelitis with periostitis and pustulosis. Last evaluated: 2021-06-24. Review status: criteria provided, single submitter. Criteria: Invitae Variant Classification Sherloc (09022015). Collection method: clinical testing. Allele origin: germline.
Comment: In summary, the available evidence is currently insufficient to determine the role of this variant in disease. Therefore, it has been classified as a Variant of Uncertain Significance. Algorithms developed to predict the effect of missense changes on protein structure and function (SIFT, PolyPhen-2, Align-GVGD) all suggest that this variant is likely to be disruptive, but these predictions have not been confirmed by published functional studies and their clinical significance is uncertain. This variant has not been reported in the literature in individuals with IL1RN-related conditions. This variant is not present in population databases (ExAC no frequency). This sequence change replaces glycine with valine at codon 61 of the IL1RN protein (p.Gly61Val). The glycine residue is highly conserved and there is a moderate physicochemical difference between glycine and valine.

NM_173842.3(IL1RN):c.173G>T (p.Gly58Val)

Gene: IL1RN (interleukin 1 receptor antagonist; plus strand). Cytogenetic location: 2q14.1.
Variant type: single nucleotide variant.
Coding change: c.173G>T on transcript NM_173842.3 (MANE Select); coding-DNA position 173, G replaced by T.
Protein change: p.Gly58Val; replaces glycine 58 with valine.
Molecular consequence: missense variant.
Genome position (GRCh38, 1-based): chr2:113,129,632, G>T. VCF-style: chr2-113129632-G-T. GRCh37 (hg19) VCF-style: chr2-113887209-G-T.
Other names: c.119G>T, p.Gly40Val (NM_000577.5); c.71G>T, p.Gly24Val (NM_001318914.2, NM_001379360.1, NM_173843.3); c.182G>T, p.Gly61Val (NM_173841.3); short protein forms G24V, G40V, G58V, G61V.
Identifiers: ClinVar variation 1353598 (VCV001353598.6), dbSNP rs1281227831, ClinGen allele CA348294619.